The following is an entry in ClinVar:

NM_001083961.2(WDR62):c.576G>A (p.Val192=)

Gene: WDR62 (WD repeat domain 62; plus strand). Cytogenetic location: 19q13.12.
Variant type: single nucleotide variant.
Coding change: c.576G>A on transcript NM_001083961.2 (MANE Select); coding-DNA position 576, G replaced by A.
Protein change: p.Val192=; no amino-acid change (valine 192 retained).
Molecular consequence: synonymous variant.
Genome position (GRCh38, 1-based): chr19:36,067,320, G>A. VCF-style: chr19-36067320-G-A. GRCh37 (hg19) VCF-style: chr19-36558222-G-A.
Other names: c.576G>A, p.Val192= (NM_001411145.1, NM_001411146.1, NM_001411147.1 and 1 more transcripts).
Identifiers: ClinVar variation 3067580 (VCV003067580.21), dbSNP rs1970994538, ClinGen allele CA507109697.
Genomic context (GRCh38, chr19:36,067,320, plus strand): 5'-AGTGGAATGAGTGCTGGCATGAGCTTCTCTGCACTTATTCTTCCAGAAAGACATCGTAGT[G>A]GCCTCCAACAAGGTATCTTGTAGAGTCATTGCCCTCTCCTTCTCAGAGGACAGCAGCTAT-3'
Protein context (NP_001077430.1, residues 182-202): NVWDWKKDIV[Val192=]ASNKVSCRVI

ClinVar aggregate classification (germline): Likely benign (1 of 4 stars; one submission).

Submission:

CeGaT Center for Human Genetics Tuebingen
Classification: Likely benign. Last evaluated: 2024-03-01. Review status: criteria provided, single submitter. Criteria: CeGaT Center For Human Genetics Tuebingen Variant Classification Criteria Version 2. Collection method: clinical testing. Allele origin: germline. Affected: yes. Observed: 1 variant allele.
Comment: WDR62: PM2:Supporting, BP4, BP7